The following is an entry in ClinVar:

ClinVar aggregate classification (germline): Conflicting classifications of pathogenicity. Review status: criteria provided, conflicting classifications (1 of 4 stars). 5 submissions from 5 submitters: Uncertain significance (1); Benign (1); Likely benign (1). 2 of the submissions do not count toward it. Last evaluated 2025-11-01.

Conditions:
F9-related disorder. Also called: F9-related condition.
Hereditary factor IX deficiency disease (HEMB). Also called: F9 DEFICIENCY; FACTOR IX DEFICIENCY; PLASMA THROMBOPLASTIN COMPONENT DEFICIENCY; Hemophilia B; Christmas Disease. Identifiers: Orphanet 98879, MedGen C0008533, MeSH D002836, MONDO:0010604, OMIM 306900.
Thrombophilia, X-linked, due to factor 9 defect. Identifiers: MedGen C2749016, MONDO:0010432, OMIM 300807.

Allele frequency attached by ClinVar (database versions not stated): gnomAD exomes 0.00013 and 0.00020; gnomAD 0.00010; 1000 Genomes Project 0.00026; ExAC 0.00017; 1000 Genomes Project 30x 0.00021; TOPMed 0.00011.

Submissions (5):

Labcorp Genetics (formerly Invitae), Labcorp
Classification: Benign for Thrombophilia, X-linked, due to factor 9 defect; Hereditary factor IX deficiency disease. Last evaluated: 2025-11-01. Review status: criteria provided, single submitter. Criteria: Invitae Variant Classification Sherloc (09022015). Collection method: clinical testing. Allele origin: germline.

Illumina Laboratory Services, Illumina
Classification: Likely benign for Hereditary factor IX deficiency disease. Last evaluated: 2017-04-27. Review status: criteria provided, single submitter. Criteria: ICSL Variant Classification Criteria 13 December 2019. Collection method: clinical testing. Allele origin: germline.
Comment: This variant was observed as part of a predisposition screen in an ostensibly healthy population. A literature search was performed for the gene, cDNA change, and amino acid change (where applicable). No publications were found based on this search. Allele frequency data from public databases allowed determination this variant is unlikely to cause disease. Therefore, this variant is classified as likely benign.

Soonchunhyang University Bucheon Hospital, Soonchunhyang University Medical Center
Classification: Uncertain significance for Hereditary factor IX deficiency disease. Last evaluated: 2016-03-18. Review status: criteria provided, single submitter. Criteria: ACMG Guidelines, 2015. Collection method: reference population. Allele origin: germline. Observed: 1 variant allele.

PreventionGenetics, part of Exact Sciences
Classification: Likely benign for F9-related condition. Last evaluated: 2024-01-04. Review status: no assertion criteria provided. Collection method: clinical testing. Allele origin: germline. Not counted in ClinVar's aggregate classification.
Comment: This variant is classified as likely benign based on ACMG/AMP sequence variant interpretation guidelines (Richards et al. 2015 PMID: 25741868, with internal and published modifications).

Natera, Inc.
Classification: Likely benign for Hemophilia B. Last evaluated: 2020-01-07. Review status: no assertion criteria provided. Collection method: clinical testing. Allele origin: germline. Not counted in ClinVar's aggregate classification.

Literature cited by the submitters: PubMed 19522246 (cited by Soonchunhyang University Bucheon Hospital, Soonchunhyang University Medical Center).

NM_000133.4(F9):c.769G>A (p.Val257Ile)

Gene: F9 (coagulation factor IX; plus strand). Cytogenetic location: Xq27.1.
Variant type: single nucleotide variant.
Coding change: c.769G>A on transcript NM_000133.4 (MANE Select); coding-DNA position 769, G replaced by A.
Protein change: p.Val257Ile; replaces valine 257 with isoleucine.
Molecular consequence: missense variant.
Genome position (GRCh38, 1-based): chrX:139,560,786, G>A. VCF-style: chrX-139560786-G-A. GRCh37 (hg19) VCF-style: chrX-138642945-G-A.
Other names: c.655G>A, p.Val219Ile (NM_001313913.2); short protein forms V257I, V219I.
Identifiers: ClinVar variation 225354 (VCV000225354.22), dbSNP rs200608775, ClinGen allele CA10529834.